The following is an entry in ClinVar:

NM_020207.7(ERCC6L2):c.2084C>T (p.Thr695Met)

Gene: ERCC6L2 (ERCC excision repair 6 like 2; plus strand). Cytogenetic location: 9q22.32.
Variant type: single nucleotide variant.
Coding change: c.2084C>T on transcript NM_020207.7 (MANE Select); coding-DNA position 2084, C replaced by T.
Protein change: p.Thr695Met; replaces threonine 695 with methionine.
Molecular consequence: missense variant. On other transcripts: non-coding transcript variant (1).
Genome position (GRCh38, 1-based): chr9:95,966,698, C>T. VCF-style: chr9-95966698-C-T. GRCh37 (hg19) VCF-style: chr9-98728980-C-T.
Other names: c.2084C>T, p.Thr695Met (NM_001010895.4, NM_001375291.1, NM_001375292.1 and 2 more transcripts); short protein forms T695M.
Identifiers: ClinVar variation 3845832 (VCV003845832.1).

ClinVar aggregate classification (germline): Uncertain significance (1 of 4 stars; one submission).

Conditions:
Inborn genetic diseases. Identifiers: MedGen C0950123, MeSH D030342.

gnomAD v4.1: 17 of 1,475,158 alleles (0.0012%); highest among the groups gnomAD compares: South Asian, 0.003%; no homozygotes.

Submission:

Ambry Genetics
Classification: Uncertain significance for Inborn genetic diseases. Last evaluated: 2024-12-25. Review status: criteria provided, single submitter. Criteria: Ambry Variant Classification Scheme 2023. Collection method: clinical testing. Allele origin: germline.
Comment: The p.T695M variant (also known as c.2084C>T), located in coding exon 14 of the ERCC6L2 gene, results from a C to T substitution at nucleotide position 2084. The threonine at codon 695 is replaced by methionine, an amino acid with similar properties. This amino acid position is conserved. In addition, the in silico prediction for this alteration is inconclusive. Based on the available evidence, the clinical significance of this variant remains unclear.